The following is an entry in ClinVar:

ClinVar aggregate classification (germline): Conflicting classifications of pathogenicity. Review status: criteria provided, conflicting classifications (1 of 4 stars). 5 submissions from 5 submitters: Uncertain significance (4); Likely benign (1). Last evaluated 2026-07-07.

Conditions:
Inborn genetic diseases. Identifiers: MedGen C0950123, MeSH D030342.
Ornithine carbamoyltransferase deficiency (OTCD). Also called: OTC DEFICIENCY; Ornithine Carbamoyltransferase Deficiency Disease; ORNITHINE TRANSCARBAMYLASE DEFICIENCY; ORNITHINE TRANSCARBAMYLASE DEFICIENCY, HYPERAMMONEMIA DUE TO. Identifiers: Orphanet 664, MedGen C0268542, MONDO:0010703, OMIM 311250.

Allele frequency attached by ClinVar (database versions not stated): TOPMed below 0.00001; gnomAD exomes 0.00002 and 0.00003; ExAC 0.00005; gnomAD 0.00001.
gnomAD v4.1: 21 of 1,209,206 alleles (0.0017%); highest among the groups gnomAD compares: South Asian, 0.035%; no homozygotes.

Submissions (5):

Ambry Genetics
Classification: Uncertain significance for Inborn genetic diseases. Last evaluated: 2026-07-07. Review status: criteria provided, single submitter. Criteria: Ambry Variant Classification Scheme 2023. Collection method: clinical testing. Allele origin: germline.
Comment: The p.T299I variant (also known as c.896C>T), located in coding exon 9 of the OTC gene, results from a C to T substitution at nucleotide position 896. The threonine at codon 299 is replaced by isoleucine, an amino acid with similar properties. This amino acid position is conserved. In addition, this alteration is predicted to be deleterious by in silico analysis. Based on the available evidence, the clinical significance of this variant remains unclear.

Labcorp Genetics (formerly Invitae), Labcorp
Classification: Likely benign for Ornithine carbamoyltransferase deficiency. Last evaluated: 2025-11-16. Review status: criteria provided, single submitter. Criteria: Invitae Variant Classification Sherloc (09022015). Collection method: clinical testing. Allele origin: germline.

All of Us Research Program, National Institutes of Health
Classification: Uncertain significance for Ornithine carbamoyltransferase deficiency. Last evaluated: 2023-11-30. Review status: criteria provided, single submitter. Criteria: ACMG Guidelines, 2015. Collection method: clinical testing. Allele origin: germline. Inheritance: X-linked inheritance. Observed: 1 variant allele, 1 homozygote.
Comment: This study involves interpretation of variants in research participants for the purpose of population health screening. Participant phenotype was not available at the time of variant classification. Additional details can be found in publication PMID: 35346344, PMCID: PMC8962531

Genome-Nilou Lab
Classification: Uncertain significance for Ornithine carbamoyltransferase deficiency. Last evaluated: 2021-11-07. Review status: criteria provided, single submitter. Criteria: ACMG Guidelines, 2015. Collection method: clinical testing. Allele origin: germline. Affected: no.

Illumina Laboratory Services, Illumina
Classification: Uncertain significance for Ornithine carbamoyltransferase deficiency. Last evaluated: 2018-01-13. Review status: criteria provided, single submitter. Criteria: ICSL Variant Classification Criteria 13 December 2019. Collection method: clinical testing. Allele origin: germline.

NM_000531.6(OTC):c.896C>T (p.Thr299Ile)

Gene: OTC (ornithine transcarbamylase; plus strand). Cytogenetic location: Xp11.4.
Variant type: single nucleotide variant.
Coding change: c.896C>T on transcript NM_000531.6 (MANE Select); coding-DNA position 896, C replaced by T.
Protein change: p.Thr299Ile; replaces threonine 299 with isoleucine.
Molecular consequence: missense variant.
Genome position (GRCh38, 1-based): chrX:38,411,890, C>T. VCF-style: chrX-38411890-C-T. GRCh37 (hg19) VCF-style: chrX-38271143-C-T.
Other names: short protein forms T299I.
Identifiers: ClinVar variation 913763 (VCV000913763.17), dbSNP rs756772340, ClinGen allele CA10385958.